The following is an entry in ClinVar:

ClinVar aggregate classification (germline): Uncertain significance (1 of 4 stars; one submission).

Allele frequency attached by ClinVar (database versions not stated): TOPMed 0.00001.

Submission:

Labcorp Genetics (formerly Invitae), Labcorp
Classification: Uncertain significance. Last evaluated: 2023-12-19. Review status: criteria provided, single submitter. Criteria: Invitae Variant Classification Sherloc (09022015). Collection method: clinical testing. Allele origin: germline.
Comment: This sequence change replaces proline, which is neutral and non-polar, with histidine, which is basic and polar, at codon 155 of the HMX1 protein (p.Pro155His). This variant is not present in population databases (gnomAD no frequency). This variant has not been reported in the literature in individuals affected with HMX1-related conditions. ClinVar contains an entry for this variant (Variation ID: 1015463). Advanced modeling of protein sequence and biophysical properties (such as structural, functional, and spatial information, amino acid conservation, physicochemical variation, residue mobility, and thermodynamic stability) performed at Invitae indicates that this missense variant is not expected to disrupt HMX1 protein function with a negative predictive value of 80%. In summary, the available evidence is currently insufficient to determine the role of this variant in disease. Therefore, it has been classified as a Variant of Uncertain Significance.

NM_018942.3(HMX1):c.464C>A (p.Pro155His)

Gene: HMX1 (H6 family homeobox 1; minus strand). Cytogenetic location: 4p16.1.
Variant type: single nucleotide variant.
Coding change: c.464C>A on transcript NM_018942.3 (MANE Select); coding-DNA position 464, C replaced by A.
Protein change: p.Pro155His; replaces proline 155 with histidine.
Molecular consequence: missense variant. On other transcripts: intron variant (1).
Genome position (GRCh38, 1-based): chr4:8,868,276, G>T on the plus strand (C>A on the coding strand, the complement: HMX1 is on the minus strand). VCF-style: chr4-8868276-G-T. GRCh37 (hg19) VCF-style: chr4-8870002-G-T.
Other names: c.394+2945C>A (NM_001306142.2); short protein forms P155H.
Identifiers: ClinVar variation 1015463 (VCV001015463.8), dbSNP rs1471177398, ClinGen allele CA356278554.
Genomic context (GRCh38, chr4:8,868,276, plus strand): 5'-CCGGCCGCCGGGCCACGCGCCGCCAGCTCCGCTGCCTCCCGCTGCACCGCTCCCGGCCCG[G>T]GGCCTCGCGGCCAGGCGCCCTCCGCACGGCCCATCTCCTCGCCCGTCTCCGGTGAGTCCC-3'
Protein context (NP_061815.2, residues 145-165): GRAEGAWPRG[Pro155His]GPGAVQREAA